The following is an entry in ClinVar:

ClinVar aggregate classification (germline): Pathogenic (1 of 4 stars; one submission).

Conditions:
Biotin-responsive basal ganglia disease (BTBGD). Also called: Thiamine metabolism dysfunction syndrome 2 (biotin- or thiamine-responsive encephalopathy type 2); Thiamine metabolism dysfunction syndrome type 2; Thiamine Transporter-2 Deficiency; thiamine-responsive encephalopathy; THIAMINE METABOLISM DYSFUNCTION SYNDROME 2 (BIOTIN- AND THIAMINE-RESPONSIVE TYPE). Identifiers: Orphanet 199348, Orphanet 65284, MedGen C1843807, MONDO:0011841, OMIM 607483.

Submission:

Myriad Genetics, Inc.
Classification: Pathogenic for Biotin-responsive basal ganglia disease. Last evaluated: 2024-11-06. Review status: criteria provided, single submitter. Criteria: Myriad Autosomal Dominant, Autosomal Recessive and X-Linked Classification Criteria (2023). Collection method: clinical testing. Allele origin: unknown.
Comment: NM_025243.3(SLC19A3):c.727A>T(K243*) is expected to be pathogenic in the context of biotin-thiamine-responsive basal ganglia disease. This variant is predicted to lead to an abnormal or absent protein product due to the creation of a premature termination codon in SLC19A3, a gene where loss-of-function variants are known to be pathogenic. Please note: this variant was assessed in the context of healthy population screening.

NM_025243.4(SLC19A3):c.727A>T (p.Lys243Ter)

Gene: SLC19A3 (solute carrier family 19 member 3; minus strand). Cytogenetic location: 2q36.3.
Variant type: single nucleotide variant.
Coding change: c.727A>T on transcript NM_025243.4 (MANE Select); coding-DNA position 727, A replaced by T.
Protein change: p.Lys243Ter; replaces lysine 243 with a stop codon.
Molecular consequence: nonsense.
Genome position (GRCh38, 1-based): chr2:227,698,988, T>A on the plus strand (A>T on the coding strand, the complement: SLC19A3 is on the minus strand). VCF-style: chr2-227698988-T-A. GRCh37 (hg19) VCF-style: chr2-228563704-T-A.
Other names: c.727A>T, p.Lys243Ter (NM_001371411.1, NM_001371412.1); c.715A>T, p.Lys239Ter (NM_001371413.1, NM_001371414.1); short protein forms K239*, K243*.
Identifiers: ClinVar variation 5013712 (VCV005013712.1).